The following is an entry in ClinVar:

ClinVar aggregate classification (germline): Uncertain significance. Review status: criteria provided, multiple submitters, no conflicts (2 of 4 stars). 3 submissions from 3 submitters: Uncertain significance (3). Last evaluated 2025-12-24.

Conditions:
Monosomy 7 myelodysplasia and leukemia syndrome 1. Also called: CHROMOSOME 7q DELETION; Familial Mosaic Monosomy 7 Syndrome; Monosomy 7 of bone marrow. Identifiers: MedGen C1854978, MONDO:0009646, OMIM 252270.
Ataxia-pancytopenia syndrome (ATXPC). Also called: SAMD9L Ataxia-Pancytopenia Syndrome; SAMD9L-Related Syndrome. Identifiers: Orphanet 2585, MedGen C1327919, MONDO:0008038, OMIM 159550.
Spinocerebellar ataxia 49 (SCA49). Identifiers: Orphanet 631106, MedGen C5676950, MONDO:0030805, OMIM 619806.

Submissions (3):

Labcorp Genetics (formerly Invitae), Labcorp
Classification: Uncertain significance. Last evaluated: 2025-12-24. Review status: criteria provided, single submitter. Criteria: Invitae Variant Classification Sherloc (09022015). Collection method: clinical testing. Allele origin: germline.
Comment: This sequence change creates a premature translational stop signal (p.Ile332Asnfs*17) in the SAMD9L gene. While this is not anticipated to result in nonsense mediated decay, it is expected to disrupt the last 1253 amino acid(s) of the SAMD9L protein. This variant is present in population databases (rs773965929, gnomAD 0.004%). This variant has not been reported in the literature in individuals affected with SAMD9L-related conditions. ClinVar contains an entry for this variant (Variation ID: 2163451). Experimental studies and prediction algorithms are not available or were not evaluated, and the functional significance of this variant is currently unknown. In summary, the available evidence is currently insufficient to determine the role of this variant in disease. Therefore, it has been classified as a Variant of Uncertain Significance.

GeneDx
Classification: Uncertain significance. Last evaluated: 2024-06-11. Review status: criteria provided, single submitter. Criteria: GeneDx Variant Classification Process June 2021. Collection method: clinical testing. Allele origin: germline.
Comment: Has not been previously published as pathogenic or benign to our knowledge; Not observed at significant frequency in large population cohorts (gnomAD); Frameshift variant predicted to result in protein truncation in a gene or region of a gene for which loss of function is not a well-established mechanism of disease; This variant is associated with the following publications: (PMID: 33724365, 28545555)

Fulgent Genetics
Classification: Uncertain significance for Ataxia-pancytopenia syndrome; Monosomy 7 myelodysplasia and leukemia syndrome 1; Spinocerebellar ataxia 49. Last evaluated: 2024-03-10. Review status: criteria provided, single submitter. Criteria: ACMG Guidelines, 2015. Collection method: clinical testing. Allele origin: germline.

NM_152703.5(SAMD9L):c.994dup (p.Ile332fs)

Gene: SAMD9L (sterile alpha motif domain containing 9 like; minus strand). Cytogenetic location: 7q21.2.
Variant type: Duplication.
Coding change: c.994dup on transcript NM_152703.5 (MANE Select); coding-DNA position 994, one base duplicated (A; older notation c.994dupA).
Protein change: p.Ile332fs; shifts the reading frame from isoleucine 332.
Molecular consequence: frameshift variant.
Genome position (GRCh38, 1-based): chr7:93,134,978, T duplicated on the plus strand (A on the coding strand, the reverse complement: SAMD9L is on the minus strand); the first of 4 consecutive T bases (chr7:93,134,978-93,134,981); duplicating any one gives the same sequence. VCF-style (leftmost placement, unchanged base first): chr7-93134977-A-AT. GRCh37 (hg19) VCF-style: chr7-92764290-A-AT.
Other names: c.994dup (NM_152703.3); c.994dup, p.Ile332fs (NM_001303496.3, NM_001303497.3, NM_001303498.3 and 5 more transcripts); short protein forms I332fs.
Identifiers: ClinVar variation 2163451 (VCV002163451.7), dbSNP rs773965929, ClinGen allele CA4343781.